The following is an entry in ClinVar:

NM_153638.4(PANK2):c.276G>A (p.Arg92=)

Genes: PANK2 (pantothenate kinase 2; plus strand), LOC130065345 (ATAC-STARR-seq lymphoblastoid silent region 12635; plus strand). Cytogenetic location: 20p13.
Variant type: single nucleotide variant.
Coding change: c.276G>A on transcript NM_153638.4; coding-DNA position 276, G replaced by A.
Protein change: p.Arg92=; no amino-acid change (arginine 92 retained).
Molecular consequence: synonymous variant. On other transcripts: intron variant (1).
Genome position (GRCh38, 1-based): chr20:3,889,376, G>A. VCF-style: chr20-3889376-G-A. GRCh37 (hg19) VCF-style: chr20-3870023-G-A.
Other names: c.276G>A, p.Arg92= (NM_001324192.1); c.-246+472G>A (NM_024960.6).
Identifiers: ClinVar variation 444564 (VCV000444564.64), dbSNP rs142832849, ClinGen allele CA9750520.
Genomic context (GRCh38, chr20:3,889,376, plus strand): 5'-CCCAGCCTCGTCGGATTGGCTTCCTGCGCGTTGGCGCAACGGAAGAGGCGGCCGGCCGAG[G>A]GCGCGCCTCTGCTCTGGCTGGACTGCCGCGGAGGAGGCGAGAAGGAATCCGACGCTGGGG-3'

ClinVar aggregate classification (germline): Benign/Likely benign. Review status: criteria provided, multiple submitters, no conflicts (2 of 4 stars). 11 submissions from 11 submitters: Benign (3); Likely benign (4). 4 of the submissions do not count toward it. Last evaluated 2026-10-01.

Conditions:
Pigmentary pallidal degeneration (NBIA1). Also called: PKAN NEUROAXONAL DYSTROPHY, JUVENILE-ONSET; Neurodegeneration with brain iron accumulation 1; HARP SYNDROME; Pantothenate Kinase-Associated Neurodegeneration; Neuroaxonal dystrophy, late infantile; Hallervorden-Spatz disease. Identifiers: Orphanet 157850, MedGen C0018523, MONDO:0009319, OMIM 234200.

Allele frequency attached by ClinVar (database versions not stated): ESP Exome Variant Server 0.00337; gnomAD 0.00544 and 0.00448; TOPMed 0.00556; 1000 Genomes Project 0.00080; gnomAD exomes 0.00352 and 0.00729; 1000 Genomes Project 30x 0.00109.
gnomAD v4.1: 11,137 of 1,575,564 alleles (0.71%); highest among the groups gnomAD compares: Non-Finnish European, 0.88%; 78 homozygotes.

Submissions (11):

CeGaT Center for Human Genetics Tuebingen
Classification: Likely benign. Last evaluated: 2026-10-01. Review status: criteria provided, single submitter. Criteria: CeGaT Center For Human Genetics Tuebingen Variant Classification Criteria Version 2. Collection method: clinical testing. Allele origin: germline. Affected: yes. Observed: 43 variant alleles.
Comment: PANK2: BP4, BP7, BS2

Labcorp Genetics (formerly Invitae), Labcorp
Classification: Benign for Pigmentary pallidal degeneration. Last evaluated: 2026-01-31. Review status: criteria provided, single submitter. Criteria: Invitae Variant Classification Sherloc (09022015). Collection method: clinical testing. Allele origin: germline.

Blueprint Genetics
Classification: Likely benign. Last evaluated: 2024-11-27. Review status: criteria provided, single submitter. Criteria: ACMG Guidelines, 2015. Collection method: clinical testing. Allele origin: germline.

GeneDx
Classification: Benign. Last evaluated: 2019-01-11. Review status: criteria provided, single submitter. Criteria: GeneDx Variant Classification Process June 2021. Collection method: clinical testing. Allele origin: germline. Affected: yes.

Illumina Laboratory Services, Illumina
Classification: Likely benign for Pigmentary pallidal degeneration. Last evaluated: 2017-04-27. Review status: criteria provided, single submitter. Criteria: ICSL Variant Classification Criteria 13 December 2019. Collection method: clinical testing. Allele origin: germline.
Comment: This variant was observed as part of a predisposition screen in an ostensibly healthy population. A literature search was performed for the gene, cDNA change, and amino acid change (where applicable). Publications were found based on this search. The evidence from the literature, in combination with allele frequency data from public databases where available, was sufficient to determine this variant is unlikely to cause disease. Therefore, this variant is classified as likely benign.

Athena Diagnostics
Classification: Benign. Last evaluated: 2017-02-15. Review status: criteria provided, single submitter. Criteria: Athena Diagnostics Criteria. Collection method: clinical testing. Allele origin: germline.

Breakthrough Genomics
Classification: Likely benign. Review status: criteria provided, single submitter. Criteria: ACMG Guidelines, 2015. Collection method: not provided. Allele origin: germline. Inheritance: Autosomal recessive inheritance. Affected: yes.

Mayo Clinic Laboratories, Mayo Clinic
Classification: Likely benign. Last evaluated: 2016-02-23. Review status: no assertion criteria provided. Collection method: clinical testing. Allele origin: unknown. Not counted in ClinVar's aggregate classification.

Clinical Genetics DNA and cytogenetics Diagnostics Lab, Erasmus MC, Erasmus Medical Center
Classification: Likely benign. Review status: no assertion criteria provided. Collection method: clinical testing. Allele origin: germline. Affected: yes. Study: VKGL Data-share Consensus. Not counted in ClinVar's aggregate classification.

Clinical Genetics, Academic Medical Center
Classification: Benign. Review status: no assertion criteria provided. Collection method: clinical testing. Allele origin: germline. Affected: yes. Study: VKGL Data-share Consensus. Not counted in ClinVar's aggregate classification.

Diagnostic Laboratory, Department of Genetics, University Medical Center Groningen
Classification: Likely benign. Review status: no assertion criteria provided. Collection method: clinical testing. Allele origin: germline. Affected: yes. Study: VKGL Data-share Consensus. Not counted in ClinVar's aggregate classification.

Literature cited by the submitters: PubMed 20603201 (cited by Illumina Laboratory Services, Illumina).